The following is an entry in ClinVar:

ClinVar aggregate classification (germline): Uncertain significance (1 of 4 stars; one submission).

gnomAD v4.1: 241 of 1,603,602 alleles (0.015%); highest among the groups gnomAD compares: Non-Finnish European, 0.019%; no homozygotes.

Submission:

CeGaT Center for Human Genetics Tuebingen
Classification: Uncertain significance. Last evaluated: 2024-07-01. Review status: criteria provided, single submitter. Criteria: CeGaT Center For Human Genetics Tuebingen Variant Classification Criteria Version 2. Collection method: clinical testing. Allele origin: germline. Affected: yes. Observed: 1 variant allele.
Comment: GLT8D1: PM2:Supporting, BP4

NM_018446.4(GLT8D1):c.926-5G>T

Gene: GLT8D1 (glycosyltransferase 8 domain containing 1; minus strand). Cytogenetic location: 3p21.1.
Variant type: single nucleotide variant.
Coding change: c.926-5G>T on transcript NM_018446.4 (MANE Select); 5 bases into the intron before coding-DNA position 926, G replaced by T.
Molecular consequence: intron variant.
Genome position (GRCh38, 1-based): chr3:52,695,040, C>A on the plus strand (G>T on the coding strand, the complement: GLT8D1 is on the minus strand). VCF-style: chr3-52695040-C-A. GRCh37 (hg19) VCF-style: chr3-52729056-C-A.
Other names: c.926-5G>T (NM_001278281.2, NM_001278280.2, NM_001010983.3 and 1 more transcripts).
Identifiers: ClinVar variation 3257185 (VCV003257185.17).